The following is an entry in ClinVar:

ClinVar aggregate classification (germline): Uncertain significance (1 of 4 stars; one submission).

Allele frequency attached by ClinVar (database versions not stated): ExAC 0.00001; gnomAD exomes 0.00001; TOPMed 0.00002.

Submission:

CeGaT Center for Human Genetics Tuebingen
Classification: Uncertain significance. Last evaluated: 2024-07-01. Review status: criteria provided, single submitter. Criteria: CeGaT Center For Human Genetics Tuebingen Variant Classification Criteria Version 2. Collection method: clinical testing. Allele origin: germline. Affected: yes. Observed: 1 variant allele.
Comment: PORCN: PM2

NM_203475.3(PORCN):c.1078G>A (p.Val360Met)

Gene: PORCN (porcupine O-acyltransferase; plus strand). Cytogenetic location: Xp11.23.
Variant type: single nucleotide variant.
Coding change: c.1078G>A on transcript NM_203475.3 (MANE Select); coding-DNA position 1078, G replaced by A.
Protein change: p.Val360Met; replaces valine 360 with methionine.
Molecular consequence: missense variant.
Genome position (GRCh38, 1-based): chrX:48,515,944, G>A. VCF-style: chrX-48515944-G-A. GRCh37 (hg19) VCF-style: chrX-48374332-G-A.
Other names: c.832G>A, p.Val278Met (NM_001282167.2); c.1045G>A, p.Val349Met (NM_022825.4); c.1063G>A, p.Val355Met (NM_203473.3); c.1060G>A, p.Val354Met (NM_203474.1); short protein forms V278M, V349M, V354M, V355M, V360M.
Identifiers: ClinVar variation 3251227 (VCV003251227.18), dbSNP rs781844031.